The following is an entry in ClinVar:

ClinVar aggregate classification (germline): Uncertain significance (1 of 4 stars; one submission).

Conditions:
Cardiomyopathy (CMYO). Also called: Cardiomyopathies. Identifiers: Orphanet 167848, MedGen C0878544, MONDO:0004994, HP:0001638. Inheritance: Various modes of inheritance.

Submission:

Color Diagnostics, LLC DBA Color Health
Classification: Uncertain significance for Cardiomyopathy. Last evaluated: 2025-07-25. Review status: criteria provided, single submitter. Criteria: ACMG Guidelines, 2015. Collection method: clinical testing. Allele origin: germline.
Comment: This missense variant replaces alanine with glutamic acid at codon 324 of the PKP2 protein. Computational prediction suggests that this variant may not impact protein structure and function. To our knowledge, functional studies have not been reported for this variant. This variant has not been reported in individuals affected with PKP2-related disorders in the literature. This variant has not been identified in the general population by the Genome Aggregation Database (gnomAD). The available evidence is insufficient to determine the role of this variant in disease conclusively. Therefore, this variant is classified as a Variant of Uncertain Significance.

NM_001005242.3(PKP2):c.971C>A (p.Ala324Glu)

Gene: PKP2 (plakophilin 2; minus strand). Cytogenetic location: 12p11.21.
Variant type: single nucleotide variant.
Coding change: c.971C>A on transcript NM_001005242.3 (MANE Select); coding-DNA position 971, C replaced by A.
Protein change: p.Ala324Glu; replaces alanine 324 with glutamic acid.
Molecular consequence: missense variant.
Genome position (GRCh38, 1-based): chr12:32,877,909, G>T on the plus strand (C>A on the coding strand, the complement: PKP2 is on the minus strand). VCF-style: chr12-32877909-G-T. GRCh37 (hg19) VCF-style: chr12-33030843-G-T.
Other names: c.971C>A, p.Ala324Glu (NM_001407155.1, NM_001407156.1, NM_001407157.1 and 2 more transcripts); c.644C>A, p.Ala215Glu (NM_001407158.1, NM_001407159.1, NM_001407160.1 and 1 more transcripts); short protein forms A215E, A324E.
Identifiers: ClinVar variation 4757658 (VCV004757658.1).